The following is an entry in ClinVar:

ClinVar aggregate classification (germline): Uncertain significance (1 of 4 stars; one submission).

Allele frequency attached by ClinVar (database versions not stated): gnomAD exomes below 0.00001.
gnomAD v4.1: 1 of 1,614,050 alleles (0.000062%); highest among the groups gnomAD compares: East Asian, 0.0022%; no homozygotes.

Submission:

Labcorp Genetics (formerly Invitae), Labcorp
Classification: Uncertain significance. Last evaluated: 2023-08-10. Review status: criteria provided, single submitter. Criteria: Invitae Variant Classification Sherloc (09022015). Collection method: clinical testing. Allele origin: germline.
Comment: This sequence change replaces lysine, which is basic and polar, with arginine, which is basic and polar, at codon 337 of the C2CD3 protein (p.Lys337Arg). This variant is not present in population databases (gnomAD no frequency). This variant has not been reported in the literature in individuals affected with C2CD3-related conditions. ClinVar contains an entry for this variant (Variation ID: 1494669). Advanced modeling of protein sequence and biophysical properties (such as structural, functional, and spatial information, amino acid conservation, physicochemical variation, residue mobility, and thermodynamic stability) has been performed at Invitae for this missense variant, however the output from this modeling did not meet the statistical confidence thresholds required to predict the impact of this variant on C2CD3 protein function. In summary, the available evidence is currently insufficient to determine the role of this variant in disease. Therefore, it has been classified as a Variant of Uncertain Significance.

NM_001286577.2(C2CD3):c.1010A>G (p.Lys337Arg)

Gene: C2CD3 (C2 domain containing 3 centriole elongation regulator; minus strand). Cytogenetic location: 11q13.4.
Variant type: single nucleotide variant.
Coding change: c.1010A>G on transcript NM_001286577.2 (MANE Select); coding-DNA position 1010, A replaced by G.
Protein change: p.Lys337Arg; replaces lysine 337 with arginine.
Molecular consequence: missense variant.
Genome position (GRCh38, 1-based): chr11:74,133,503, T>C on the plus strand (A>G on the coding strand, the complement: C2CD3 is on the minus strand). VCF-style: chr11-74133503-T-C. GRCh37 (hg19) VCF-style: chr11-73844548-T-C.
Other names: c.1010A>G, p.Lys337Arg (NM_015531.6); short protein forms K337R.
Identifiers: ClinVar variation 1494669 (VCV001494669.8), dbSNP rs2135537518, ClinGen allele CA381815145.
Genomic context (GRCh38, chr11:74,133,503, plus strand): 5'-GAATCTTCATTAATAGGAGGATGAACTTGGTCCAACAACATGCTGGTCTCTGGGCTTGAT[T>C]TCATTGCAGAAATCACCATGGCATTACGCAGTTTATTGCCTTGTTCTAACAGAGCTGAAG-3'
Protein context (NP_001273506.1, residues 327-347): LRNAMVISAM[Lys337Arg]SSPETSMLLD